The following is an entry in ClinVar:

NM_020340.5(ARFGEF3):c.4938G>A (p.Ala1646=)

Gene: ARFGEF3 (ARFGEF family member 3; plus strand). Cytogenetic location: 6q24.1.
Variant type: single nucleotide variant.
Coding change: c.4938G>A on transcript NM_020340.5 (MANE Select); coding-DNA position 4938, G replaced by A.
Protein change: p.Ala1646=; no amino-acid change (alanine 1646 retained).
Molecular consequence: synonymous variant.
Genome position (GRCh38, 1-based): chr6:138,324,091, G>A. VCF-style: chr6-138324091-G-A. GRCh37 (hg19) VCF-style: chr6-138645228-G-A.
Identifiers: ClinVar variation 3060241 (VCV003060241.2), dbSNP rs3734301, ClinGen allele CA4021514.

ClinVar aggregate classification (germline): Benign (0 of 4 stars; one submission).

Conditions:
ARFGEF3-related disorder. Also called: ARFGEF3-related condition.

Allele frequency attached by ClinVar (database versions not stated): gnomAD exomes 0.07579; ExAC 0.11451; gnomAD 0.20458; ESP Exome Variant Server 0.21575; TOPMed 0.22769; 1000 Genomes Project 0.22823; 1000 Genomes Project 30x 0.23860.
gnomAD v4.1: 143,332 of 1,613,532 alleles (8.9%); highest among the groups gnomAD compares: African/African-American, 55%; 15,581 homozygotes.

Submission:

PreventionGenetics, part of Exact Sciences
Classification: Benign for ARFGEF3-related condition. Last evaluated: 2019-10-21. Review status: no assertion criteria provided. Collection method: clinical testing. Allele origin: germline.
Comment: This variant is classified as benign based on ACMG/AMP sequence variant interpretation guidelines (Richards et al. 2015 PMID: 25741868, with internal and published modifications).